The following is an entry in ClinVar:

NM_138691.3(TMC1):c.884+1G>A

Gene: TMC1 (transmembrane channel like 1; plus strand). Cytogenetic location: 9q21.13.
Variant type: single nucleotide variant.
Coding change: c.884+1G>A on transcript NM_138691.3 (MANE Select); the canonical splice donor site of the intron after coding-DNA position 884, G replaced by A.
Molecular consequence: splice donor variant.
Genome position (GRCh38, 1-based): chr9:72,772,556, G>A. VCF-style: chr9-72772556-G-A. GRCh37 (hg19) VCF-style: chr9-75387472-G-A.
Identifiers: ClinVar variation 1213521 (VCV001213521.7), dbSNP rs776689179, ClinGen allele CA5081806.

ClinVar aggregate classification (germline): Pathogenic. Review status: criteria provided, multiple submitters, no conflicts (2 of 4 stars). 2 submissions from 2 submitters: Pathogenic (2). Last evaluated 2026-08-31.

Conditions:
Autosomal recessive nonsyndromic hearing loss 7. Also called: DEAFNESS, AUTOSOMAL RECESSIVE 11. Identifiers: Orphanet 90636, MedGen C1832978, MONDO:0010967, OMIM 600974.

Allele frequency attached by ClinVar (database versions not stated): gnomAD exomes 0.00001; ExAC 0.00001.
gnomAD v4.1: 10 of 1,613,744 alleles (0.00062%); highest among the groups gnomAD compares: Admixed American, 0.005%; no homozygotes.

Submissions (2):

GeneDx
Classification: Pathogenic. Last evaluated: 2026-08-31. Review status: criteria provided, single submitter. Criteria: GeneDx Variant Classification Process June 2021. Collection method: clinical testing. Allele origin: germline.
Comment: Canonical splice site variant predicted to result in a null allele in a gene for which loss of function is a known mechanism of disease; This variant is associated with the following publications: (PMID: 19187973, 16134132, 25525159, 26226225, 24933710, 33205915, 34523024, 11850618, 34599366, 39097884, 41231290)

ENT and Head and Neck Research Center and Department,  The Five Senses Health Institute, Iran University of Medical Sciences
Classification: Pathogenic for Autosomal recessive nonsyndromic hearing loss 7. Last evaluated: 2025-08-20. Review status: criteria provided, single submitter. Criteria: ClinGen HL ACMG Specifications v1. Collection method: clinical testing. Allele origin: germline. Affected: yes.
Comment: PVS1: Null variant (intronic within ±2 of splice site) in gene TMC1. Loss-of-function is a known mechanism of disease (gene has 126 reported pathogenic LOF variants), PM2: Variant not found in gnomAD genomes, good gnomAD genomes coverage = 31.0, PP5: ClinVar classifies this variant as Likely Pathogenic, 1 star (reviewed Dec '23, 1 submission of which 1 is from high confidence submitter).

Literature cited by the submitters: PubMed 41231290 (cited by ENT and Head and Neck Research Center and Department,  The Five Senses Health Institute, Iran University of Medical Sciences).